The following is an entry in ClinVar:

NM_001128840.3(CACNA1D):c.2690T>C (p.Met897Thr)

Gene: CACNA1D (calcium voltage-gated channel subunit alpha1 D; plus strand). Cytogenetic location: 3p21.1.
Variant type: single nucleotide variant.
Coding change: c.2690T>C on transcript NM_001128840.3 (MANE Select); coding-DNA position 2690, T replaced by C.
Protein change: p.Met897Thr; replaces methionine 897 with threonine.
Molecular consequence: missense variant.
Genome position (GRCh38, 1-based): chr3:53,735,442, T>C. VCF-style: chr3-53735442-T-C. GRCh37 (hg19) VCF-style: chr3-53769469-T-C.
Other names: c.2750T>C, p.Met917Thr (NM_000720.4); c.2690T>C, p.Met897Thr (NM_001128839.3); short protein forms M897T, M917T.
Identifiers: ClinVar variation 1721310 (VCV001721310.5), dbSNP rs2473829268, ClinGen allele CA353242605.

ClinVar aggregate classification (germline): Uncertain significance (1 of 4 stars; one submission).

Allele frequency attached by ClinVar (database versions not stated): gnomAD exomes below 0.00001.
gnomAD v4.1: 2 of 1,614,048 alleles (0.00012%); highest among the groups gnomAD compares: Non-Finnish European, 0.00017%; no homozygotes.

Submission:

Labcorp Genetics (formerly Invitae), Labcorp
Classification: Uncertain significance. Last evaluated: 2022-07-14. Review status: criteria provided, single submitter. Criteria: Invitae Variant Classification Sherloc (09022015). Collection method: clinical testing. Allele origin: germline.
Comment: This sequence change replaces methionine, which is neutral and non-polar, with threonine, which is neutral and polar, at codon 917 of the CACNA1D protein (p.Met917Thr). In summary, the available evidence is currently insufficient to determine the role of this variant in disease. Therefore, it has been classified as a Variant of Uncertain Significance. Algorithms developed to predict the effect of missense changes on protein structure and function (SIFT, PolyPhen-2, Align-GVGD) all suggest that this variant is likely to be disruptive. This variant has not been reported in the literature in individuals affected with CACNA1D-related conditions. This variant is not present in population databases (gnomAD no frequency).